The following is an entry in ClinVar:

NM_001329943.3(KIAA0586):c.70G>T (p.Val24Leu)

Gene: KIAA0586 (KIAA0586; plus strand). Cytogenetic location: 14q23.1.
Variant type: single nucleotide variant.
Coding change: c.70G>T on transcript NM_001329943.3 (MANE Select); coding-DNA position 70, G replaced by T.
Protein change: p.Val24Leu; replaces valine 24 with leucine.
Molecular consequence: missense variant. On other transcripts: intron variant (5).
Genome position (GRCh38, 1-based): chr14:58,428,334, G>T. VCF-style: chr14-58428334-G-T. GRCh37 (hg19) VCF-style: chr14-58895052-G-T.
Other names: c.106G>T, p.Val36Leu (NM_001244189.2); c.25G>T, p.Val9Leu (NM_001244190.2); c.70G>T, p.Val24Leu (NM_001329944.2, NM_001329946.2, NM_001329947.2 and 1 more transcripts); c.-57+697G>T (NM_001244192.2, NM_001244191.2); c.-57+521G>T (NM_001364701.2, NM_001329945.2, NM_001364700.1); short protein forms V24L, V36L, V9L.
Identifiers: ClinVar variation 1371551 (VCV001371551.3), dbSNP rs780198735, ClinGen allele CA7205262.

ClinVar aggregate classification (germline): Uncertain significance (1 of 4 stars; one submission).

Conditions:
Short-rib thoracic dysplasia 14 with polydactyly (SRTD14). Identifiers: Orphanet 397715, MedGen C4225286, MONDO:0014688, OMIM 616546.
Joubert syndrome 23 (JBTS23). Identifiers: Orphanet 475, MedGen C4084822, MONDO:0014664, OMIM 616490.

Allele frequency attached by ClinVar (database versions not stated): ExAC 0.00001; gnomAD exomes 0.00001; TOPMed 0.00002.

Submission:

Labcorp Genetics (formerly Invitae), Labcorp
Classification: Uncertain significance for Joubert syndrome 23; Short-rib thoracic dysplasia 14 with polydactyly. Last evaluated: 2021-08-20. Review status: criteria provided, single submitter. Criteria: Invitae Variant Classification Sherloc (09022015). Collection method: clinical testing. Allele origin: germline.
Comment: This sequence change replaces valine with leucine at codon 36 of the KIAA0586 protein (p.Val36Leu). The valine residue is weakly conserved and there is a small physicochemical difference between valine and leucine. This variant is present in population databases (rs780198735, ExAC no frequency). This variant has not been reported in the literature in individuals affected with KIAA0586-related conditions. Algorithms developed to predict the effect of missense changes on protein structure and function (SIFT, PolyPhen-2, Align-GVGD) all suggest that this variant is likely to be tolerated. In summary, the available evidence is currently insufficient to determine the role of this variant in disease. Therefore, it has been classified as a Variant of Uncertain Significance.